The following is an entry in ClinVar:

ClinVar aggregate classification (germline): Uncertain significance (1 of 4 stars; one submission).

Conditions:
Camptomelic dysplasia (CMPD). Also called: Campomelic Dysplasia; CMPD1/SRA1. Identifiers: Orphanet 140, MedGen C1861922, MONDO:0007251, OMIM 114290.

Submission:

3billion
Classification: Uncertain significance for Camptomelic dysplasia. Last evaluated: 2025-11-11. Review status: criteria provided, single submitter. Criteria: ACMG Guidelines, 2015. Collection method: clinical testing. Allele origin: germline. Affected: yes.
Comment: The variant is not observed in the gnomAD v4.1.0 dataset. Predicted Consequence/Location: Missense variant In silico tool predictions suggest damaging effect of the variant on gene or gene product [REVEL: 0.93 (>=0.6, sensitivity 0.68 and specificity 0.92); 3Cnet: 0.93 (> 0.75, sensitivity 0.96 and precision 0.92)]. Therefore, this variant is classified as VUS according to the recommendation of ACMG/AMP guideline.

NM_000346.4(SOX9):c.457C>T (p.Pro153Ser)

Gene: SOX9 (SRY-box transcription factor 9; plus strand). Cytogenetic location: 17q24.3.
Variant type: single nucleotide variant.
Coding change: c.457C>T on transcript NM_000346.4 (MANE Select); coding-DNA position 457, C replaced by T.
Protein change: p.Pro153Ser; replaces proline 153 with serine.
Molecular consequence: missense variant.
Genome position (GRCh38, 1-based): chr17:72,122,744, C>T. VCF-style: chr17-72122744-C-T. GRCh37 (hg19) VCF-style: chr17-70118885-C-T.
Other names: short protein forms P153S.
Identifiers: ClinVar variation 4855982 (VCV004855982.1).